The following is an entry in ClinVar:

ClinVar aggregate classification (germline): Uncertain significance (1 of 4 stars; one submission).

Submission:

Women's Health and Genetics/Laboratory Corporation of America, LabCorp
Classification: Uncertain significance. Last evaluated: 2026-02-23. Review status: criteria provided, single submitter. Criteria: LabCorp Variant Classification Summary - May 2015. Collection method: clinical testing. Allele origin: germline.
Comment: Variant summary: CACNA1C c.5159A>G (p.Gln1720Arg) results in a conservative amino acid change in the encoded protein sequence. Algorithms developed to predict the effect of missense changes on protein structure and function are either unavailable or do not agree on the potential impact of this missense change. The variant was absent in 245062 control chromosomes. The available data on variant occurrences in the general population are insufficient to allow any conclusion about variant significance. To our knowledge, no occurrence of c.5159A>G in individuals affected with CACNA1C-related conditions and no experimental evidence demonstrating its impact on protein function have been reported. ClinVar contains an entry for this variant (Variation ID: 3366736). Based on the evidence outlined above, the variant was classified as uncertain significance.

NM_000719.7(CACNA1C):c.5159A>G (p.Gln1720Arg)

Genes: CACNA1C (calcium voltage-gated channel subunit alpha1 C; plus strand), CACNA1C-AS1 (CACNA1C antisense RNA 1; minus strand). Cytogenetic location: 12p13.33.
Variant type: single nucleotide variant.
Coding change: c.5159A>G on transcript NM_000719.7 (MANE Select); coding-DNA position 5159, A replaced by G.
Protein change: p.Gln1720Arg; replaces glutamine 1720 with arginine.
Molecular consequence: missense variant.
Genome position (GRCh38, 1-based): chr12:2,679,511, A>G. VCF-style: chr12-2679511-A-G. GRCh37 (hg19) VCF-style: chr12-2788677-A-G.
Other names: c.5159A>G, p.Gln1720Arg (NM_001129840.2, NM_001129841.2, NM_001129842.2 and 4 more transcripts); c.5150A>G, p.Gln1717Arg (NM_001129844.2); c.5126A>G, p.Gln1709Arg (NM_001129846.2, NM_001167625.2); c.5303A>G, p.Gln1768Arg (NM_001129827.2, NM_199460.4); c.5282A>G, p.Gln1761Arg (NM_001129829.2); c.5243A>G, p.Gln1748Arg (NM_001129831.2); c.5219A>G, p.Gln1740Arg (NM_001129832.2); c.5216A>G, p.Gln1739Arg (NM_001129833.2, NM_001129834.2, NM_001129835.2); and 3 more; short protein forms Q1709R, Q1717R, Q1720R, Q1726R, Q1728R, Q1737R, Q1739R, Q1740R.
Identifiers: ClinVar variation 3366736 (VCV003366736.2).